The following is an entry in ClinVar:

NM_004415.4(DSP):c.4788del (p.Glu1597fs)

Gene: DSP (desmoplakin; plus strand). Cytogenetic location: 6p24.3.
Variant type: Deletion.
Coding change: c.4788del on transcript NM_004415.4 (MANE Select); coding-DNA position 4788, one base deleted (A; older notation c.4788delA).
Protein change: p.Glu1597fs; shifts the reading frame from glutamic acid 1597.
Molecular consequence: frameshift variant. On other transcripts: intron variant (2).
Genome position (GRCh38, 1-based): chr6:7,580,978, A deleted; the last of 2 consecutive A bases (chr6:7,580,977-7,580,978); deleting either gives the same sequence. VCF-style (leftmost placement, unchanged base first): chr6-7580976-GA-G. GRCh37 (hg19) VCF-style: chr6-7581209-GA-G.
Other names: c.4788delA, p.Glu1597Serfs (NM_004415.2); c.4050+738del (NM_001319034.2); c.3582+1206del (NM_001008844.3); short protein forms E1597fs.
Identifiers: ClinVar variation 4888219 (VCV004888219.1).

ClinVar aggregate classification (germline): Pathogenic (1 of 4 stars; one submission).

Submission:

GeneDx
Classification: Pathogenic. Last evaluated: 2026-02-09. Review status: criteria provided, single submitter. Criteria: GeneDx Variant Classification Process June 2021. Collection method: clinical testing. Allele origin: germline.
Comment: Frameshift variant predicted to result in protein truncation or nonsense mediated decay in a gene for which loss-of-function is a known mechanism of disease; Not observed in large population cohorts (gnomAD); This variant is associated with the following publications: (PMID: 31764239, 36175056, 34998950, 31073624)